The following is an entry in ClinVar:

NM_000059.4(BRCA2):c.1399A>T (p.Lys467Ter)

Gene: BRCA2 (BRCA2 DNA repair associated; plus strand). Cytogenetic location: 13q13.1.
Variant type: single nucleotide variant.
Coding change: c.1399A>T on transcript NM_000059.4 (MANE Select); coding-DNA position 1399, A replaced by T.
Protein change: p.Lys467Ter; replaces lysine 467 with a stop codon.
Molecular consequence: nonsense.
Genome position (GRCh38, 1-based): chr13:32,332,877, A>T. VCF-style: chr13-32332877-A-T. GRCh37 (hg19) VCF-style: chr13-32907014-A-T.
Other names: 1627A>T; short protein forms K467*.
Identifiers: ClinVar variation 51118 (VCV000051118.44), dbSNP rs80358427, ClinGen allele CA011908.

ClinVar aggregate classification (germline): Pathogenic. Review status: reviewed by expert panel (3 of 4 stars). 18 submissions from 18 submitters: Pathogenic (1). 17 of the submissions do not count toward it. Last evaluated 2016-09-08.

Conditions:
Gastric cancer. Also called: Stomach cancer; Malignant tumor of stomach. Identifiers: MedGen C0024623, MeSH D013274, MONDO:0001056, OMIM 613659, HP:0012126.
Glioma susceptibility 3 (GLM3). Also called: Glioblastoma 3. Identifiers: Orphanet 182067, Orphanet 360, MedGen C2751641, MONDO:0013093, OMIM 613029.
Wilms tumor 1 (WT1). Also called: Wilms tumor, somatic. Identifiers: Orphanet 654, MedGen CN033288, MONDO:0008679, OMIM 194070.
Familial cancer of breast. Also called: Hereditary breast cancer; BREAST CANCER, FAMILIAL; hereditary breast carcinoma. Identifiers: Orphanet 227535, MedGen C0346153, MONDO:0016419, OMIM 114480. Disease mechanism: loss of function.
Prostate cancer. Also called: Malignant tumor of prostate. Identifiers: Orphanet 1331, MedGen C0376358, MONDO:0008315, HP:0012125.
Breast-ovarian cancer, familial, susceptibility to, 2 (BROVCA2). Also called: BRCA2 Hereditary Breast and Ovarian Cancer. Identifiers: Orphanet 145, MedGen C2675520, MONDO:0012933, OMIM 612555. Disease mechanism: loss of function.
Fanconi anemia complementation group D1. Also called: BRCA2-Related Fanconi Anemia. Identifiers: Orphanet 319462, MedGen C1838457, MONDO:0011584, OMIM 605724.
Medulloblastoma (MDB). Also called: Medulloblastoma, somatic; MEDULLOBLASTOMA PREDISPOSITION SYNDROME. Identifiers: Orphanet 616, MedGen C0025149, MeSH D008527, MONDO:0007959, OMIM 155255, HP:0002885.
Pancreatic cancer, susceptibility to, 2. Identifiers: Orphanet 1333, MedGen C3150546, MONDO:0013235, OMIM 613347.
Breast neoplasm. Also called: Neoplasm of breast; Breast tumor; Breast Neoplasms; Neoplasm of the breast. Identifiers: MedGen C1458155, MeSH D001943, MONDO:0021100, HP:0100013. Disease mechanism: gain of function.
Hereditary cancer-predisposing syndrome. Also called: Neoplastic Syndromes, Hereditary; Tumor predisposition; Hereditary Cancer Syndrome; Hereditary neoplastic syndrome. Identifiers: Orphanet 140162, MedGen C0027672, MeSH D009386, MONDO:0015356.
Hereditary breast ovarian cancer syndrome. Also called: Hereditary breast and/or ovarian cancer syndrome; Hereditary breast and ovarian cancer syndrome; Hereditary breast and ovarian cancer; Hereditary breast and ovarian cancer syndrome (HBOC); Breast and ovarian cancer; BRCA1- and BRCA2-Associated Hereditary Breast and Ovarian Cancer. Identifiers: Orphanet 145, MedGen C0677776, MeSH D061325, MONDO:0003582. Disease mechanism: loss of function.

Allele frequency attached by ClinVar (database versions not stated): gnomAD exomes below 0.00001; ExAC 0.00001.
gnomAD v4.1: 1 of 1,611,254 alleles (0.000062%); highest among the groups gnomAD compares: East Asian, 0.0022%; no homozygotes.

Submissions 1 to 11 of 18:

Evidence-based Network for the Interpretation of Germline Mutant Alleles (ENIGMA)
Classification: Pathogenic for Breast-ovarian cancer, familial, susceptibility to, 2. Last evaluated: 2016-09-08. Review status: reviewed by expert panel. Criteria: ENIGMA BRCA1/2 Classification Criteria (2015). Collection method: curation. Allele origin: germline.
Comment: Variant allele predicted to encode a truncated non-functional protein.

Labcorp Genetics (formerly Invitae), Labcorp
Classification: Pathogenic for Hereditary breast ovarian cancer syndrome. Last evaluated: 2025-12-14. Review status: criteria provided, single submitter. Criteria: Invitae Variant Classification Sherloc (09022015). Collection method: clinical testing. Allele origin: germline. Not counted in ClinVar's aggregate classification.
Comment: This sequence change creates a premature translational stop signal (p.Lys467*) in the BRCA2 gene. It is expected to result in an absent or disrupted protein product. Loss-of-function variants in BRCA2 are known to be pathogenic (PMID: 20104584). This variant is present in population databases (rs80358427, gnomAD 0.006%). This premature translational stop signal has been observed in individual(s) with breast or ovarian cancer (PMID: 12204006, 16455195, 22798144, 26848529, 27257965, 27836010). This variant is also known as c.1627A>T. ClinVar contains an entry for this variant (Variation ID: 51118). For these reasons, this variant has been classified as Pathogenic.

Ambry Genetics
Classification: Pathogenic for Hereditary cancer-predisposing syndrome. Last evaluated: 2025-08-27. Review status: criteria provided, single submitter. Criteria: Ambry Variant Classification Scheme 2023. Collection method: clinical testing. Allele origin: germline. Not counted in ClinVar's aggregate classification.
Comment: The p.K467* pathogenic mutation (also known as c.1399A>T), located in coding exon 9 of the BRCA2 gene, results from an A to T substitution at nucleotide position 1399. This changes the amino acid from a lysine to a stop codon within coding exon 9. Of note, this alteration is also designated as 1627A>T in published literature. This alteration is expected to result in loss of function by premature protein truncation or nonsense-mediated mRNA decay. As such, this alteration is interpreted as a disease-causing mutation.

Molecular Pathology, Peter Maccallum Cancer Centre
Classification: Pathogenic for Breast-ovarian cancer, familial, susceptibility to, 2. Last evaluated: 2024-10-21. Review status: criteria provided, single submitter. Criteria: ACMG Guidelines, 2015. Collection method: clinical testing. Allele origin: germline. Inheritance: Autosomal dominant inheritance. Not counted in ClinVar's aggregate classification.

Baylor Genetics
Classification: Pathogenic for Familial cancer of breast. Last evaluated: 2022-10-25. Review status: criteria provided, single submitter. Criteria: ACMG Guidelines, 2015. Collection method: clinical testing. Allele origin: unknown. Not counted in ClinVar's aggregate classification.

Department of Pathology and Laboratory Medicine, Sinai Health System
Classification: Pathogenic for Familial cancer of breast; Breast-ovarian cancer, familial, susceptibility to, 2. Last evaluated: 2022-10-25. Review status: criteria provided, single submitter. Criteria: ACMG Guidelines, 2015. Collection method: clinical testing. Allele origin: germline. Affected: yes. Not counted in ClinVar's aggregate classification.

Women's Health and Genetics/Laboratory Corporation of America, LabCorp
Classification: Pathogenic for Hereditary breast ovarian cancer syndrome. Last evaluated: 2021-10-04. Review status: criteria provided, single submitter. Criteria: LabCorp Variant Classification Summary - May 2015. Collection method: clinical testing. Allele origin: germline. Not counted in ClinVar's aggregate classification.
Comment: Variant summary: BRCA2 c.1399A>T (p.Lys467X) results in a premature termination codon, predicted to cause a truncation of the encoded protein or absence of the protein due to nonsense mediated decay, which are commonly known mechanisms for disease. Truncations downstream of this position have been classified as pathogenic by our laboratory. The variant allele was found at a frequency of 4e-06 in 247228 control chromosomes. c.1399A>T has been reported in the literature in multiple individuals affected with Hereditary Breast And Ovarian Cancer Syndrome (example, Kang_2002, Ahn_2007, and Pak_2018). To our knowledge, no experimental evidence demonstrating an impact on protein function has been reported. Ten clinical diagnostic laboratories have submitted clinical-significance assessments for this variant to ClinVar after 2014 without evidence for independent evaluation. All laboratories classified the variant as pathogenic. Based on the evidence outlined above, the variant was classified as pathogenic.

GeneDx
Classification: Pathogenic. Last evaluated: 2021-05-27. Review status: criteria provided, single submitter. Criteria: GeneDx Variant Classification Process June 2021. Collection method: clinical testing. Allele origin: germline. Affected: yes. Not counted in ClinVar's aggregate classification.
Comment: Nonsense variant predicted to result in protein truncation or nonsense mediated decay in a gene for which loss-of-function is a known mechanism of disease; Truncating variants in this gene are considered pathogenic by a well-established clinical consortium and/or database; Not observed at significant frequency in large population cohorts (Lek 2016); Also known as 1627A>T; This variant is associated with the following publications: (PMID: Dong2015, 16455195, 28724667, 30716324, 30350268, 29176636, 32029870, 12204006, 22217648, 21497495, 17100994, 25011685, 16949048, 22798144, 23593081, 26187060, 21847643, 25525159, 25856671, 26295337, 29093764, 28205045, 28351343, 29346284, 27257965, 29020732, 29752822, 30652428, 30287823, 28111427, 29446198, 30720243, 30702160, 31825140, 31742824)

Quest Diagnostics Nichols Institute San Juan Capistrano
Classification: Pathogenic. Last evaluated: 2020-04-02. Review status: criteria provided, single submitter. Criteria: Quest Diagnostics criteria. Collection method: clinical testing. Allele origin: unknown. Not counted in ClinVar's aggregate classification.
Comment: The variant creates a premature nonsense codon, and is therefore predicted to result in the loss of a functional protein. Found in at least one patient with expected phenotype for this gene, and found in general population data at a frequency that is consistent with pathogenicity.

Color Diagnostics, LLC DBA Color Health
Classification: Pathogenic for Hereditary cancer-predisposing syndrome. Last evaluated: 2020-01-15. Review status: criteria provided, single submitter. Criteria: ACMG Guidelines, 2015. Collection method: clinical testing. Allele origin: germline. Not counted in ClinVar's aggregate classification.
Comment: This variant changes 1 nucleotide in exon 10 of the BRCA2 gene, creating a premature translation stop signal. This variant is expected to result in an absent or non-functional protein product. This variant has been identified in 1/247228 chromosomes in the general population by the Genome Aggregation Database (gnomAD). Loss of BRCA2 function is a known mechanism of disease. Based on the available evidence, this variant is classified as Pathogenic.

Fulgent Genetics
Classification: Pathogenic for Familial cancer of breast; Medulloblastoma; Familial prostate cancer; Wilms tumor 1; Fanconi anemia complementation group D1; Breast-ovarian cancer, familial, susceptibility to, 2; Glioma susceptibility 3; Pancreatic cancer, susceptibility to, 2. Last evaluated: 2018-10-31. Review status: criteria provided, single submitter. Criteria: ACMG Guidelines, 2015. Collection method: clinical testing. Allele origin: unknown. Not counted in ClinVar's aggregate classification.